The following is an entry in ClinVar:

ClinVar aggregate classification (germline): Uncertain significance (1 of 4 stars; one submission).

Conditions:
Psoriasis 2. Identifiers: MedGen C1864497, MONDO:0011269, OMIM 602723.
Pityriasis rubra pilaris (PRP). Also called: Pityriasis rubra pilaris--familial type. Identifiers: Orphanet 2897, MedGen C0032027, MONDO:0100017, OMIM 173200, MONDO:0008251.

Allele frequency attached by ClinVar (database versions not stated): ExAC 0.00001; gnomAD exomes 0.00001 and 0.00002; ESP Exome Variant Server 0.00008.
gnomAD v4.1: 12 of 1,611,440 alleles (0.00074%); highest among the groups gnomAD compares: Middle Eastern, 0.066%; no homozygotes.

Submission:

Labcorp Genetics (formerly Invitae), Labcorp
Classification: Uncertain significance for Pityriasis rubra pilaris; Psoriasis 2. Last evaluated: 2024-08-21. Review status: criteria provided, single submitter. Criteria: Invitae Variant Classification Sherloc (09022015). Collection method: clinical testing. Allele origin: germline.
Comment: This sequence change affects codon 531 of the CARD14 mRNA. It is a 'silent' change, meaning that it does not change the encoded amino acid sequence of the CARD14 protein. It affects a nucleotide within the consensus splice site. This variant is present in population databases (rs143761306, gnomAD 0.004%). This variant has not been reported in the literature in individuals affected with CARD14-related conditions. ClinVar contains an entry for this variant (Variation ID: 1367813). Algorithms developed to predict the effect of sequence changes on RNA splicing suggest that this variant is not likely to affect RNA splicing. In summary, the available evidence is currently insufficient to determine the role of this variant in disease. Therefore, it has been classified as a Variant of Uncertain Significance.

NM_001366385.1(CARD14):c.1593A>G (p.Ala531=)

Gene: CARD14 (caspase recruitment domain family member 14; plus strand). Cytogenetic location: 17q25.3.
Variant type: single nucleotide variant.
Coding change: c.1593A>G on transcript NM_001366385.1 (MANE Select); coding-DNA position 1593, A replaced by G.
Protein change: p.Ala531=; no amino-acid change (alanine 531 retained).
Molecular consequence: synonymous variant. On other transcripts: non-coding transcript variant (1).
Genome position (GRCh38, 1-based): chr17:80,195,651, A>G. VCF-style: chr17-80195651-A-G. GRCh37 (hg19) VCF-style: chr17-78169450-A-G.
Other names: c.1593A>G, p.Ala531= (NM_001257970.1, NM_024110.4); c.882A>G, p.Ala294= (NM_052819.3).
Identifiers: ClinVar variation 1367813 (VCV001367813.8), dbSNP rs143761306, ClinGen allele CA8816876.